The following is an entry in ClinVar:

NM_003482.4(KMT2D):c.11807AGC[3] (p.Gln3939del)

Gene: KMT2D (lysine methyltransferase 2D; minus strand). Cytogenetic location: 12q13.12.
Variant type: Microsatellite.
Coding change: c.11807AGC[3] on transcript NM_003482.4 (MANE Select); three copies in a row of the 3-base unit AGC starting at c.11807; the reference has four copies in a row; one copy, 3 bases deleted.
Protein change: p.Gln3939del; deletes glutamine 3939.
Molecular consequence: inframe deletion.
Genome position (GRCh38, 1-based): chr12:49,032,887-49,032,889, GCT deleted on the plus strand (AGC on the coding strand, the reverse complement: KMT2D is on the minus strand); deleting any 3 consecutive bases within chr12:49,032,887-49,032,899 gives the same sequence; the position shown is the placement nearest the transcript's 3' end. VCF-style (leftmost placement, unchanged base first): chr12-49032886-AGCT-A. GRCh37 (hg19) VCF-style: chr12-49426669-AGCT-A.
Other names: short protein forms Q3939del.
Identifiers: ClinVar variation 1419212 (VCV001419212.8), dbSNP rs1399512864, ClinGen allele CA605233613.

ClinVar aggregate classification (germline): Uncertain significance (1 of 4 stars; one submission).

Conditions:
Kabuki syndrome. Also called: NIIKAWA-KUROKI SYNDROME; Kabuki make-up syndrome. Identifiers: Orphanet 2322, MedGen C0796004, MONDO:0016512.

Submission:

Labcorp Genetics (formerly Invitae), Labcorp
Classification: Uncertain significance for Kabuki syndrome. Last evaluated: 2021-08-14. Review status: criteria provided, single submitter. Criteria: Invitae Variant Classification Sherloc (09022015). Collection method: clinical testing. Allele origin: germline.
Comment: Experimental studies and prediction algorithms are not available or were not evaluated, and the functional significance of this variant is currently unknown. This variant has not been reported in the literature in individuals with KMT2D-related conditions. This variant is not present in population databases (ExAC no frequency). This variant, c.11816_11818del, results in the deletion of 1 amino acid(s) of the KMT2D protein (p.Gln3939del), but otherwise preserves the integrity of the reading frame. In summary, the available evidence is currently insufficient to determine the role of this variant in disease. Therefore, it has been classified as a Variant of Uncertain Significance.